The following is an entry in ClinVar:

ClinVar aggregate classification (germline): Conflicting classifications of pathogenicity. Review status: criteria provided, conflicting classifications (1 of 4 stars). 2 submissions from 2 submitters: Uncertain significance (1); Likely benign (1). Last evaluated 2025-02-16.

Allele frequency attached by ClinVar (database versions not stated): gnomAD exomes 0.00002 and 0.00003; gnomAD 0.00003 and 0.00004; ExAC 0.00006.
gnomAD v4.1: 41 of 1,613,938 alleles (0.0025%); highest among the groups gnomAD compares: Non-Finnish European, 0.0025%; no homozygotes.

Submissions (2):

Laboratory of Genetics, Children's Clinical University Hospital Latvia
Classification: Likely benign. Last evaluated: 2025-02-16. Review status: criteria provided, single submitter. Criteria: ACMG Guidelines, 2015. Collection method: clinical testing. Allele origin: germline. Affected: yes.

Labcorp Genetics (formerly Invitae), Labcorp
Classification: Uncertain significance. Last evaluated: 2024-05-06. Review status: criteria provided, single submitter. Criteria: Invitae Variant Classification Sherloc (09022015). Collection method: clinical testing. Allele origin: germline.
Comment: This sequence change replaces asparagine with serine at codon 1111 of the POLR1A protein (p.Asn1111Ser). The asparagine residue is moderately conserved and there is a small physicochemical difference between asparagine and serine. This variant is present in population databases (rs773549641, gnomAD 0.009%). This variant has not been reported in the literature in individuals affected with POLR1A-related conditions. ClinVar contains an entry for this variant (Variation ID: 1486115). Advanced modeling of protein sequence and biophysical properties (such as structural, functional, and spatial information, amino acid conservation, physicochemical variation, residue mobility, and thermodynamic stability) performed at Invitae indicates that this missense variant is not expected to disrupt POLR1A protein function with a negative predictive value of 80%. In summary, the available evidence is currently insufficient to determine the role of this variant in disease. Therefore, it has been classified as a Variant of Uncertain Significance.

NM_015425.6(POLR1A):c.3332A>G (p.Asn1111Ser)

Gene: POLR1A (RNA polymerase I subunit A; minus strand). Cytogenetic location: 2p11.2.
Variant type: single nucleotide variant.
Coding change: c.3332A>G on transcript NM_015425.6 (MANE Select); coding-DNA position 3332, A replaced by G.
Protein change: p.Asn1111Ser; replaces asparagine 1111 with serine.
Molecular consequence: missense variant.
Genome position (GRCh38, 1-based): chr2:86,042,999, T>C on the plus strand (A>G on the coding strand, the complement: POLR1A is on the minus strand). VCF-style: chr2-86042999-T-C. GRCh37 (hg19) VCF-style: chr2-86270122-T-C.
Other names: short protein forms N1111S.
Identifiers: ClinVar variation 1486115 (VCV001486115.7), dbSNP rs773549641, ClinGen allele CA1745808.